The following is an entry in ClinVar:

NM_002460.4(IRF4):c.522C>T (p.Leu174=)

Gene: IRF4 (interferon regulatory factor 4; plus strand). Cytogenetic location: 6p25.3.
Variant type: single nucleotide variant.
Coding change: c.522C>T on transcript NM_002460.4 (MANE Select); coding-DNA position 522, C replaced by T.
Protein change: p.Leu174=; no amino-acid change (leucine 174 retained).
Molecular consequence: synonymous variant. On other transcripts: non-coding transcript variant (1).
Genome position (GRCh38, 1-based): chr6:397,137, C>T. VCF-style: chr6-397137-C-T. GRCh37 (hg19) VCF-style: chr6-397137-C-T.
Other names: c.519C>T, p.Leu173= (NM_001195286.2).
Identifiers: ClinVar variation 1158809 (VCV001158809.23), dbSNP rs375726389, ClinGen allele CA3612730.

ClinVar aggregate classification (germline): Likely benign. Review status: criteria provided, multiple submitters, no conflicts (2 of 4 stars). 3 submissions from 3 submitters: Likely benign (3). Last evaluated 2026-07-01.

Allele frequency attached by ClinVar (database versions not stated): ExAC 0.00007; gnomAD exomes 0.00007 and 0.00009; ESP Exome Variant Server 0.00008; gnomAD 0.00010 and 0.00011.

Submissions (3):

CeGaT Center for Human Genetics Tuebingen
Classification: Likely benign. Last evaluated: 2026-07-01. Review status: criteria provided, single submitter. Criteria: CeGaT Center For Human Genetics Tuebingen Variant Classification Criteria Version 2. Collection method: clinical testing. Allele origin: germline. Affected: yes. Observed: 2 variant alleles.
Comment: IRF4: BP4, BP7

Labcorp Genetics (formerly Invitae), Labcorp
Classification: Likely benign. Last evaluated: 2025-12-18. Review status: criteria provided, single submitter. Criteria: Invitae Variant Classification Sherloc (09022015). Collection method: clinical testing. Allele origin: germline.

Blueprint Genetics
Classification: Likely benign. Last evaluated: 2024-11-14. Review status: criteria provided, single submitter. Criteria: ACMG Guidelines, 2015. Collection method: clinical testing. Allele origin: germline.